The following is an entry in ClinVar:

NM_003966.3(SEMA5A):c.855C>G (p.Pro285=)

Gene: SEMA5A (semaphorin 5A; minus strand). Cytogenetic location: 5p15.31.
Variant type: single nucleotide variant.
Coding change: c.855C>G on transcript NM_003966.3 (MANE Select); coding-DNA position 855, C replaced by G.
Protein change: p.Pro285=; no amino-acid change (proline 285 retained).
Molecular consequence: synonymous variant.
Genome position (GRCh38, 1-based): chr5:9,202,032, G>C on the plus strand (C>G on the coding strand, the complement: SEMA5A is on the minus strand). VCF-style: chr5-9202032-G-C. GRCh37 (hg19) VCF-style: chr5-9202144-G-C.
Identifiers: ClinVar variation 791997 (VCV000791997.5), dbSNP rs34273974, ClinGen allele CA3197000.

ClinVar aggregate classification (germline): Likely benign. Review status: criteria provided, single submitter (1 of 4 stars). 2 submissions from 2 submitters: Likely benign (1). 1 of the submissions does not count toward it. Last evaluated 2018-07-17.

Conditions:
SEMA5A-related disorder. Also called: SEMA5A-related condition.

Allele frequency attached by ClinVar (database versions not stated): gnomAD exomes 0.00015; ExAC 0.00018; ESP Exome Variant Server 0.00077; TOPMed 0.00077; gnomAD 0.00080 and 0.00087; 1000 Genomes Project 30x 0.00094; 1000 Genomes Project 0.00100.
gnomAD v4.1: 215 of 1,614,184 alleles (0.013%); highest among the groups gnomAD compares: African/African-American, 0.26%; no homozygotes.

Submissions (2):

Labcorp Genetics (formerly Invitae), Labcorp
Classification: Likely benign. Last evaluated: 2018-07-17. Review status: criteria provided, single submitter. Criteria: Invitae Variant Classification Sherloc (09022015). Collection method: clinical testing. Allele origin: germline.

PreventionGenetics, part of Exact Sciences
Classification: Likely benign for SEMA5A-related condition. Last evaluated: 2019-11-19. Review status: no assertion criteria provided. Collection method: clinical testing. Allele origin: germline. Not counted in ClinVar's aggregate classification.
Comment: This variant is classified as likely benign based on ACMG/AMP sequence variant interpretation guidelines (Richards et al. 2015 PMID: 25741868, with internal and published modifications).